The following is an entry in ClinVar:

NM_017654.4(SAMD9):c.654G>C (p.Glu218Asp)

Gene: SAMD9 (sterile alpha motif domain containing 9; minus strand). Cytogenetic location: 7q21.2.
Variant type: single nucleotide variant.
Coding change: c.654G>C on transcript NM_017654.4 (MANE Select); coding-DNA position 654, G replaced by C.
Protein change: p.Glu218Asp; replaces glutamic acid 218 with aspartic acid.
Molecular consequence: missense variant.
Genome position (GRCh38, 1-based): chr7:93,105,444, C>G on the plus strand (G>C on the coding strand, the complement: SAMD9 is on the minus strand). VCF-style: chr7-93105444-C-G. GRCh37 (hg19) VCF-style: chr7-92734757-C-G.
Other names: c.654G>C, p.Glu218Asp (NM_001193307.2); short protein forms E218D.
Identifiers: ClinVar variation 4159180 (VCV004159180.1).

ClinVar aggregate classification (germline): Uncertain significance (1 of 4 stars; one submission).

Conditions:
Inborn genetic diseases. Identifiers: MedGen C0950123, MeSH D030342.

Submission:

Ambry Genetics
Classification: Uncertain significance for Inborn genetic diseases. Last evaluated: 2025-08-23. Review status: criteria provided, single submitter. Criteria: Ambry Variant Classification Scheme 2023. Collection method: clinical testing. Allele origin: germline.
Comment: The p.E218D variant (also known as c.654G>C), located in coding exon 1 of the SAMD9 gene, results from a G to C substitution at nucleotide position 654. The glutamic acid at codon 218 is replaced by aspartic acid, an amino acid with highly similar properties. This amino acid position is conserved. In addition, this alteration is predicted to be tolerated by in silico analysis. Based on the available evidence, the clinical significance of this variant remains unclear.